The following is an entry in ClinVar:

NM_001710.6(CFB):c.1487A>C (p.Gln496Pro)

Gene: CFB (complement factor B; plus strand). Cytogenetic location: 6p21.33.
Variant type: single nucleotide variant.
Coding change: c.1487A>C on transcript NM_001710.6 (MANE Select); coding-DNA position 1487, A replaced by C.
Protein change: p.Gln496Pro; replaces glutamine 496 with proline.
Molecular consequence: missense variant.
Genome position (GRCh38, 1-based): chr6:31,950,128, A>C. VCF-style: chr6-31950128-A-C. GRCh37 (hg19) VCF-style: chr6-31917905-A-C.
Other names: short protein forms Q496P.
Identifiers: ClinVar variation 3666215 (VCV003666215.2).
Genomic context (GRCh38, chr6:31,950,128, plus strand): 5'-GTCTCTGTGGCATGGTTTGGGAACACAGGAAGGGTACCGATTACCACAAGCAACCATGGC[A>C]GGCCAAGATCTCAGTCATTGTAAGCACAGAATCCCAGTAGTGGGGACTTGGGGGAGGTGA-3'
Protein context (NP_001701.2, residues 486-506): KGTDYHKQPW[Gln496Pro]AKISVIRPSK

ClinVar aggregate classification (germline): Uncertain significance (1 of 4 stars; one submission).

Submission:

Labcorp Genetics (formerly Invitae), Labcorp
Classification: Uncertain significance. Last evaluated: 2024-09-17. Review status: criteria provided, single submitter. Criteria: Invitae Variant Classification Sherloc (09022015). Collection method: clinical testing. Allele origin: germline.
Comment: This sequence change replaces glutamine, which is neutral and polar, with proline, which is neutral and non-polar, at codon 496 of the CFB protein (p.Gln496Pro). This variant is not present in population databases (gnomAD no frequency). This variant has not been reported in the literature in individuals affected with CFB-related conditions. Invitae Evidence Modeling of protein sequence and biophysical properties (such as structural, functional, and spatial information, amino acid conservation, physicochemical variation, residue mobility, and thermodynamic stability) indicates that this missense variant is not expected to disrupt CFB protein function with a negative predictive value of 80%. In summary, the available evidence is currently insufficient to determine the role of this variant in disease. Therefore, it has been classified as a Variant of Uncertain Significance.